The following is an entry in ClinVar:

ClinVar aggregate classification (germline): Pathogenic (1 of 4 stars; one submission).

Submission:

GeneDx
Classification: Pathogenic. Last evaluated: 2023-02-28. Review status: criteria provided, single submitter. Criteria: GeneDx Variant Classification Process June 2021. Collection method: clinical testing. Allele origin: germline. Affected: yes.
Comment: Not observed at significant frequency in large population cohorts (gnomAD); Nonsense variant predicted to result in protein truncation or nonsense mediated decay in a gene for which loss of function is a known mechanism of disease; This variant is associated with the following publications: (PMID: 26272055)

NM_000138.5(FBN1):c.4160dup (p.Tyr1387Ter)

Gene: FBN1 (fibrillin 1; minus strand). Cytogenetic location: 15q21.1.
Variant type: Duplication.
Coding change: c.4160dup on transcript NM_000138.5 (MANE Select); coding-DNA position 4160, one base duplicated (A; older notation c.4160dupA).
Protein change: p.Tyr1387Ter; replaces tyrosine 1387 with a stop codon.
Molecular consequence: nonsense. On other transcripts: frameshift variant (1).
Genome position (GRCh38, 1-based): chr15:48,474,305, T duplicated on the plus strand (A on the coding strand, the reverse complement: FBN1 is on the minus strand). VCF-style (leftmost placement, unchanged base first): chr15-48474304-G-GT. GRCh37 (hg19) VCF-style: chr15-48766501-G-GT.
Other names: c.4160dup, p.Tyr1387Terfs (NM_001406716.1); short protein forms Y1387*.
Identifiers: ClinVar variation 1810038 (VCV001810038.2), dbSNP rs2505517554, ClinGen allele CA2580089710.
Genomic context (GRCh38, chr15:48,474,304, plus strand): 5'-CGTGAACATACCTGTACAAGTGAAGCCATCACCTGTGTATCCTTCCTTGCACAGACAGCG[G>GT]TAAGATCCCATGGTATTCTTGCAGTCTGCATGCTGGCTGCACATATGGGTTCCATTGGAA-3'